The following is an entry in ClinVar:

ClinVar aggregate classification (germline): Likely benign (1 of 4 stars; one submission).

Conditions:
Intellectual developmental disorder with autism and macrocephaly. Also called: Autism, susceptibility to, 18; CHD8-Related Neurodevelopmental Disorder with Overgrowth. Identifiers: Orphanet 642675, MedGen C3554373, MONDO:0014017, OMIM 615032.

Submission:

Centre for Medical Genetics,  Mumbai
Classification: Likely benign for Intellectual developmental disorder with autism and macrocephaly. Last evaluated: 2026-04-14. Review status: criteria provided, single submitter. Criteria: ACMG Guidelines, 2015. Collection method: provider interpretation. Allele origin: germline. Inheritance: Autosomal dominant inheritance. Affected: no. Observed: 1 variant allele, 1 heterozygote.
Comment: The variant satisfies PM2 criteria - extremely low frequency in gnomAD population databases. The variant satisfies PP2 criteria - missense variant in a gene with low rate of benign missense mutations and for which missense mutation is a common mechanism of a disease. However, the variant satisfies BS2 criteria - present in heterozygous state in an individual that clinically does not have intellectual developmental disorder with autism and macrocephaly.

Literature cited by the submitters: PubMed 22495309.

NM_001170629.2(CHD8):c.6358C>G (p.Leu2120Val)

Gene: CHD8 (chromodomain helicase DNA binding protein 8; minus strand). Cytogenetic location: 14q11.2.
Variant type: single nucleotide variant.
Coding change: c.6358C>G on transcript NM_001170629.2 (MANE Select); coding-DNA position 6358, C replaced by G.
Protein change: p.Leu2120Val; replaces leucine 2120 with valine.
Molecular consequence: missense variant.
Genome position (GRCh38, 1-based): chr14:21,393,216, G>C on the plus strand (C>G on the coding strand, the complement: CHD8 is on the minus strand). VCF-style: chr14-21393216-G-C. GRCh37 (hg19) VCF-style: chr14-21861375-G-C.
Other names: c.5521C>G, p.Leu1841Val (NM_020920.4); short protein forms L1841V, L2120V.
Identifiers: ClinVar variation 4851386 (VCV004851386.1).